The following is an entry in ClinVar:

NM_014231.5(VAMP1):c.139A>G (p.Ile47Val)

Genes: TAPBPL (TAP binding protein like; plus strand), VAMP1 (vesicle associated membrane protein 1; minus strand). Cytogenetic location: 12p13.31.
Variant type: single nucleotide variant.
Coding change: c.139A>G on transcript NM_014231.5 (MANE Select); coding-DNA position 139, A replaced by G.
Protein change: p.Ile47Val; replaces isoleucine 47 with valine.
Molecular consequence: missense variant. On other transcripts: non-coding transcript variant (1).
Genome position (GRCh38, 1-based): chr12:6,465,991, T>C on the plus strand (A>G on the coding strand, the complement: VAMP1 is on the minus strand). VCF-style: chr12-6465991-T-C. GRCh37 (hg19) VCF-style: chr12-6575157-T-C.
Other names: c.139A>G, p.Ile47Val (NM_001297438.2, NM_016830.4, NM_199245.3); short protein forms I47V.
Identifiers: ClinVar variation 4736178 (VCV004736178.1).

ClinVar aggregate classification (germline): Uncertain significance (1 of 4 stars; one submission).

Conditions:
Spastic paraplegia. Identifiers: MedGen C0037772, HP:0001258.

gnomAD v4.1: 6 of 1,614,238 alleles (0.00037%); highest among the groups gnomAD compares: Non-Finnish European, 0.00051%; no homozygotes.

Submission:

Labcorp Genetics (formerly Invitae), Labcorp
Classification: Uncertain significance for Spastic paraplegia. Last evaluated: 2025-09-25. Review status: criteria provided, single submitter. Criteria: Invitae Variant Classification Sherloc (09022015). Collection method: clinical testing. Allele origin: germline.
Comment: This sequence change replaces isoleucine, which is neutral and non-polar, with valine, which is neutral and non-polar, at codon 47 of the VAMP1 protein (p.Ile47Val). This variant is not present in population databases (gnomAD no frequency). This variant has not been reported in the literature in individuals affected with VAMP1-related conditions. An algorithm developed to predict the effect of missense changes on protein structure and function (PolyPhen-2) suggests that this variant is likely to be tolerated. In summary, the available evidence is currently insufficient to determine the role of this variant in disease. Therefore, it has been classified as a Variant of Uncertain Significance.